The following is an entry in ClinVar:

ClinVar aggregate classification (germline): Likely pathogenic. Review status: criteria provided, multiple submitters, no conflicts (2 of 4 stars). 2 submissions from 2 submitters: Likely pathogenic (2). Last evaluated 2025-11-23.

Conditions:
Deficiency of acetyl-CoA acetyltransferase. Also called: MITOCHONDRIAL ACETOACETYL-CoA THIOLASE DEFICIENCY; Beta-ketothiolase deficiency; 3-KETOTHIOLASE DEFICIENCY; 3-OXOTHIOLASE DEFICIENCY. Identifiers: Orphanet 134, MedGen C1536500, MONDO:0008760, OMIM 203750. Disease mechanism: loss of function.

Submissions (2):

Natera, Inc.
Classification: Likely pathogenic for Alpha-methylacetoacetic aciduria. Last evaluated: 2025-11-23. Review status: criteria provided, single submitter. Criteria: Natera Variant Classification Schema (03/2026). Collection method: clinical testing. Allele origin: germline.
Comment: The c.70C>T variant in ACAT1 is a nonsense variant predicted to introduce a stop codon at amino acid 24. This variant is expected to result in nonsense mediated decay, truncation, or a dysfunctional protein product. This variant is rare in the general population with a frequency below the threshold expected for the associated phenotype(s). Given the available evidence, this variant is classified as Likely Pathogenic.

Baylor Genetics
Classification: Likely pathogenic for Deficiency of acetyl-CoA acetyltransferase. Last evaluated: 2023-04-28. Review status: criteria provided, single submitter. Criteria: ACMG Guidelines, 2015. Collection method: clinical testing. Allele origin: unknown.

NM_000019.4(ACAT1):c.70C>T (p.Gln24Ter)

Gene: ACAT1 (acetyl-CoA acetyltransferase 1; plus strand). Cytogenetic location: 11q22.3.
Variant type: single nucleotide variant.
Coding change: c.70C>T on transcript NM_000019.4 (MANE Select); coding-DNA position 70, C replaced by T.
Protein change: p.Gln24Ter; replaces glutamine 24 with a stop codon.
Molecular consequence: nonsense. On other transcripts: 5 prime UTR variant (3), non-coding transcript variant (2), intron variant (2).
Genome position (GRCh38, 1-based): chr11:108,121,676, C>T. VCF-style: chr11-108121676-C-T. GRCh37 (hg19) VCF-style: chr11-107992403-C-T.
Other names: c.70C>T, p.Gln24Ter (NM_001386677.1, NM_001386678.1); c.-208C>T (NM_001386679.1); c.-295C>T (NM_001386685.1); c.-300C>T (NM_001386686.1); c.-416+4774C>T (NM_001386682.1); c.-199+4774C>T (NM_001386681.1); c.70C>T (NM_000019.3); short protein forms Q24*.
Identifiers: ClinVar variation 2680313 (VCV002680313.2), dbSNP rs2496516251, ClinGen allele CA382505606.